The following is an entry in ClinVar:

NM_032888.4(COL27A1):c.311T>C (p.Leu104Pro)

Gene: COL27A1 (collagen type XXVII alpha 1 chain; plus strand). Cytogenetic location: 9q32.
Variant type: single nucleotide variant.
Coding change: c.311T>C on transcript NM_032888.4 (MANE Select); coding-DNA position 311, T replaced by C.
Protein change: p.Leu104Pro; replaces leucine 104 with proline.
Molecular consequence: missense variant.
Genome position (GRCh38, 1-based): chr9:114,167,866, T>C. VCF-style: chr9-114167866-T-C. GRCh37 (hg19) VCF-style: chr9-116930146-T-C.
Other names: short protein forms L104P.
Identifiers: ClinVar variation 2414693 (VCV002414693.3), dbSNP rs2490549949, ClinGen allele CA374589287.

ClinVar aggregate classification (germline): Uncertain significance (1 of 4 stars; one submission).

gnomAD v4.1: 1 of 1,613,476 alleles (0.000062%); no homozygotes.

Submission:

Labcorp Genetics (formerly Invitae), Labcorp
Classification: Uncertain significance. Last evaluated: 2022-09-05. Review status: criteria provided, single submitter. Criteria: Invitae Variant Classification Sherloc (09022015). Collection method: clinical testing. Allele origin: germline.
Comment: This sequence change replaces leucine, which is neutral and non-polar, with proline, which is neutral and non-polar, at codon 104 of the COL27A1 protein (p.Leu104Pro). This variant is not present in population databases (gnomAD no frequency). This variant has not been reported in the literature in individuals affected with COL27A1-related conditions. Advanced modeling of protein sequence and biophysical properties (such as structural, functional, and spatial information, amino acid conservation, physicochemical variation, residue mobility, and thermodynamic stability) performed at Invitae indicates that this missense variant is not expected to disrupt COL27A1 protein function. In summary, the available evidence is currently insufficient to determine the role of this variant in disease. Therefore, it has been classified as a Variant of Uncertain Significance.